The following is an entry in ClinVar:

ClinVar aggregate classification (germline): Uncertain significance (1 of 4 stars; one submission).

Submission:

Labcorp Genetics (formerly Invitae), Labcorp
Classification: Uncertain significance. Last evaluated: 2022-10-17. Review status: criteria provided, single submitter. Criteria: Invitae Variant Classification Sherloc (09022015). Collection method: clinical testing. Allele origin: germline.
Comment: In summary, the available evidence is currently insufficient to determine the role of this variant in disease. Therefore, it has been classified as a Variant of Uncertain Significance. This variant has not been reported in the literature in individuals affected with FAM46A-related conditions. This variant is not present in population databases (gnomAD no frequency). This sequence change creates a premature translational stop signal (p.Leu169Tyrfs*5) in the FAM46A gene. While this is not anticipated to result in nonsense mediated decay, it is expected to disrupt the last 274 amino acid(s) of the FAM46A protein.

NM_017633.3(TENT5A):c.504del (p.Leu169fs)

Gene: TENT5A (terminal nucleotidyltransferase 5A; minus strand). Cytogenetic location: 6q14.1.
Variant type: Deletion.
Coding change: c.504del on transcript NM_017633.3 (MANE Select); coding-DNA position 504, one base deleted (C; older notation c.504delC).
Protein change: p.Leu169fs; shifts the reading frame from leucine 169.
Molecular consequence: frameshift variant.
Genome position (GRCh38, 1-based): chr6:81,751,638, G deleted on the plus strand (C on the coding strand, the reverse complement: TENT5A is on the minus strand). VCF-style (leftmost placement, unchanged base first): chr6-81751637-AG-A. GRCh37 (hg19) VCF-style: chr6-82461354-AG-A.
Other names: short protein forms L169fs.
Identifiers: ClinVar variation 2020525 (VCV002020525.4), dbSNP rs2481781970, ClinGen allele CA2580075916.